The following is an entry in ClinVar:

NM_003193.5(TBCE):c.253A>G (p.Ile85Val)

Gene: TBCE (tubulin folding cofactor E; plus strand). Cytogenetic location: 1q42.3.
Variant type: single nucleotide variant.
Coding change: c.253A>G on transcript NM_003193.5 (MANE Select); coding-DNA position 253, A replaced by G.
Protein change: p.Ile85Val; replaces isoleucine 85 with valine.
Molecular consequence: missense variant. On other transcripts: 5 prime UTR variant (1).
Genome position (GRCh38, 1-based): chr1:235,414,500, A>G. VCF-style: chr1-235414500-A-G. GRCh37 (hg19) VCF-style: chr1-235577815-A-G.
Other names: c.253A>G, p.Ile85Val (NM_001079515.3, NM_001287801.2); c.-143A>G (NM_001287802.2); c.253A>G (NM_001287801.1); short protein forms I85V.
Identifiers: ClinVar variation 282068 (VCV000282068.24), dbSNP rs143886167, ClinGen allele CA1463983.

ClinVar aggregate classification (germline): Conflicting classifications of pathogenicity. Review status: criteria provided, conflicting classifications (1 of 4 stars). 6 submissions from 6 submitters: Uncertain significance (3); Likely benign (2). 1 of the submissions does not count toward it. Last evaluated 2026-01-11.

Conditions:
TBCE-related disorder. Also called: TBCE-related disorders; TBCE-related condition.
Hypoparathyroidism-retardation-dysmorphism syndrome (HRDS). Also called: SANJAD-SAKATI SYNDROME. Identifiers: Orphanet 2323, MedGen C1855840, MONDO:0009426, OMIM 241410.

Allele frequency attached by ClinVar (database versions not stated): gnomAD exomes 0.00064 and 0.00087; gnomAD 0.00072 and 0.00076; ExAC 0.00094; TOPMed 0.00028; ESP Exome Variant Server 0.00046.
gnomAD v4.1: 1,045 of 1,613,842 alleles (0.065%); highest among the groups gnomAD compares: Non-Finnish European, 0.056%; 4 homozygotes.

Submissions (10):

Labcorp Genetics (formerly Invitae), Labcorp
Classification: Likely benign. Last evaluated: 2026-01-11. Review status: criteria provided, single submitter. Criteria: Invitae Variant Classification Sherloc (09022015). Collection method: clinical testing. Allele origin: germline.

Blueprint Genetics
Classification: Likely benign. Last evaluated: 2024-11-26. Review status: criteria provided, single submitter. Criteria: ACMG Guidelines, 2015. Collection method: clinical testing. Allele origin: germline.

Illumina Laboratory Services, Illumina
Classification: Uncertain significance for Hypoparathyroidism-retardation-dysmorphism syndrome. Last evaluated: 2018-01-13. Review status: criteria provided, single submitter. Criteria: ICSL Variant Classification Criteria 13 December 2019. Collection method: clinical testing. Allele origin: germline.

Center for Pediatric Genomic Medicine, Children's Mercy Hospital and Clinics
Classification: Uncertain significance. Last evaluated: 2016-11-21. Review status: criteria provided, single submitter. Criteria: ACMG Guidelines, 2015. Collection method: clinical testing. Allele origin: germline.
ClinVar note: Converted during submission from Uncertain Significance to Uncertain significance.

Eurofins Ntd Llc (ga)
Classification: Uncertain significance. Last evaluated: 2015-08-20. Review status: criteria provided, single submitter. Criteria: EGL Classification Definitions 2015. Collection method: clinical testing. Allele origin: germline. Observed: 1 variant allele, 1 heterozygote.

PreventionGenetics, part of Exact Sciences
Classification: Likely benign for TBCE-related condition. Last evaluated: 2019-08-13. Review status: no assertion criteria provided. Collection method: clinical testing. Allele origin: germline. Not counted in ClinVar's aggregate classification.
Comment: This variant is classified as likely benign based on ACMG/AMP sequence variant interpretation guidelines (Richards et al. 2015 PMID: 25741868, with internal and published modifications).

Dr. Peter K. Rogan Lab, Western University
No classification provided (evidence only). Condition: Thymoma. Review status: no classification provided. Collection method: in vitro. Allele origin: not applicable. Functional consequence: retained intron. Not counted in ClinVar's aggregate classification.

Dr. Peter K. Rogan Lab, Western University
No classification provided (evidence only). Condition: Ovarian serous cystadenocarcinoma. Review status: no classification provided. Collection method: in vitro. Allele origin: not applicable. Functional consequence: retained intron. Not counted in ClinVar's aggregate classification.

Dr. Peter K. Rogan Lab, Western University
No classification provided (evidence only). Condition: Gastric cancer. Review status: no classification provided. Collection method: in vitro. Allele origin: not applicable. Functional consequence: retained intron. Not counted in ClinVar's aggregate classification.

Dr. Peter K. Rogan Lab, Western University
No classification provided (evidence only). Condition: Malignant tumor of esophagus. Review status: no classification provided. Collection method: in vitro. Allele origin: not applicable. Functional consequence: retained intron. Not counted in ClinVar's aggregate classification.